The following is an entry in ClinVar:

ClinVar aggregate classification (germline): Conflicting classifications of pathogenicity. Review status: criteria provided, conflicting classifications (1 of 4 stars). 5 submissions from 5 submitters: Pathogenic (1); Likely pathogenic (3); Uncertain significance (1). Last evaluated 2025-12-01.

Conditions:
Dyskeratosis congenita, autosomal dominant 2. Identifiers: MedGen C3151443, MONDO:0013521, OMIM 613989.
Pulmonary fibrosis and/or bone marrow failure, Telomere-related, 1. Also called: PULMONARY FIBROSIS AND/OR BONE MARROW FAILURE SYNDROME, TELOMERE-RELATED, 1. Identifiers: Orphanet 88, MedGen C3553617, MONDO:0013878, OMIM 614742.
Dyskeratosis congenita. Identifiers: Orphanet 1775, MedGen C0265965, MONDO:0015780.
Idiopathic Pulmonary Fibrosis. Also called: Idiopathic fibrosing alveolitis, chronic form; idiopathic fibrosing alveolitis. Identifiers: Orphanet 2032, MedGen C1800706, MeSH D054990, MONDO:0800504.
TERT-related disorder. Also called: TERT-related condition; TERT-related disorders.

Allele frequency attached by ClinVar (database versions not stated): TOPMed below 0.00001; gnomAD exomes 0.00007 and 0.00016; gnomAD 0.00012 and 0.00013; ExAC 0.00014.
gnomAD v4.1: 112 of 1,567,398 alleles (0.0071%); highest among the groups gnomAD compares: Non-Finnish European, 0.00052%; no homozygotes.

Submissions (5):

Labcorp Genetics (formerly Invitae), Labcorp
Classification: Likely pathogenic for Dyskeratosis congenita, autosomal dominant 2; Idiopathic Pulmonary Fibrosis. Last evaluated: 2025-12-01. Review status: criteria provided, single submitter. Criteria: Invitae Variant Classification Sherloc (09022015). Collection method: clinical testing. Allele origin: germline.
Comment: This sequence change replaces aspartic acid, which is acidic and polar, with glycine, which is neutral and non-polar, at codon 684 of the TERT protein (p.Asp684Gly). This variant is present in population databases (rs776981958, gnomAD 0.1%). This missense change has been observed in individuals with TERT-related conditions (PMID: 29483670, 30115091, 35083318, 36622818). It has also been observed to segregate with disease in related individuals. ClinVar contains an entry for this variant (Variation ID: 446372). Invitae Evidence Modeling of protein sequence and biophysical properties (such as structural, functional, and spatial information, amino acid conservation, physicochemical variation, residue mobility, and thermodynamic stability) has been performed for this missense variant. However, the output from this modeling did not meet the statistical confidence thresholds required to predict the impact of this variant on TERT protein function. In summary, the currently available evidence indicates that the variant is pathogenic, but additional data are needed to prove that conclusively. Therefore, this variant has been classified as Likely Pathogenic.

Blueprint Genetics
Classification: Pathogenic for TERT-related disorders. Last evaluated: 2024-11-05. Review status: criteria provided, single submitter. Criteria: ACMG Guidelines, 2015. Collection method: clinical testing. Allele origin: germline. Affected: yes. Observed: 5 variant alleles.

Women's Health and Genetics/Laboratory Corporation of America, LabCorp
Classification: Likely pathogenic for Dyskeratosis congenita. Last evaluated: 2024-07-08. Review status: criteria provided, single submitter. Criteria: LabCorp Variant Classification Summary - May 2015. Collection method: clinical testing. Allele origin: germline.
Comment: Variant summary: TERT c.2051A>G (p.Asp684Gly) results in a non-conservative amino acid change located in the Reverse transcriptase domain (IPR000477) of the encoded protein sequence. Three of five in-silico tools predict a damaging effect of the variant on protein function. The variant allele was found at a frequency of 7.1e-05 in 1567398 control chromosomes. This frequency is not significantly higher than estimated for a pathogenic variant in TERT causing Dyskeratosis congenita, however the frequency in the Finnish subpopulation was 0.0018 in 59326 control chromosomes. These data allow no conclusion about variant significance but may suggest a possible founder effect among individuals of Finnish descent. c.2051A>G has been reported in the literature in the compound heterozygous or homozygous state in multiple Finnish/Nordic individuals affected with clinical features of Dyskeratosis congenita and related telomere biology disorders (example, Norberg_2018, Trotta_2018) and in the heterozygous state in multiple individuals with familial pulmonary fibrosis and/or interstitial lung disease (example, Liu_2023, Stark_2022). These data indicate that the variant is very likely to be associated with autosomal recessive disease. To our knowledge, no experimental evidence demonstrating an impact on protein function has been reported. The following publications have been ascertained in the context of this evaluation (PMID: 36622818, 29483670, 35083318, 30115091). ClinVar contains an entry for this variant (Variation ID: 446372). Based on the evidence outlined above, the variant was classified as likely pathogenic.

Mayo Clinic Laboratories, Mayo Clinic
Classification: Uncertain significance. Last evaluated: 2019-12-19. Review status: criteria provided, single submitter. Criteria: ACMG Guidelines, 2015. Collection method: clinical testing. Allele origin: germline. Observed: 2 variant alleles.

Degerman lab, Umeå University
Classification: Likely pathogenic for Pulmonary fibrosis and/or bone marrow failure, Telomere-related, 1; Dyskeratosis congenita, autosomal dominant 2. Last evaluated: 2017-11-23. Review status: criteria provided, single submitter. Criteria: ACMG Guidelines, 2015. Collection method: clinical testing. Allele origin: germline. Affected: yes. Observed: 3 variant alleles.

Literature cited by the submitters: PubMed 29483670 (cited by 3 submitters); PubMed 30115091 (cited by Labcorp Genetics (formerly Invitae), Labcorp and Women's Health and Genetics/Laboratory Corporation of America, LabCorp); PubMed 35083318 (cited by Labcorp Genetics (formerly Invitae), Labcorp and Women's Health and Genetics/Laboratory Corporation of America, LabCorp); PubMed 36622818 (cited by Labcorp Genetics (formerly Invitae), Labcorp and Women's Health and Genetics/Laboratory Corporation of America, LabCorp).

NM_198253.3(TERT):c.2051A>G (p.Asp684Gly)

Gene: TERT (telomerase reverse transcriptase; minus strand). Cytogenetic location: 5p15.33.
Variant type: single nucleotide variant.
Coding change: c.2051A>G on transcript NM_198253.3 (MANE Select); coding-DNA position 2051, A replaced by G.
Protein change: p.Asp684Gly; replaces aspartic acid 684 with glycine.
Molecular consequence: missense variant. On other transcripts: non-coding transcript variant (2).
Genome position (GRCh38, 1-based): chr5:1,279,370, T>C on the plus strand (A>G on the coding strand, the complement: TERT is on the minus strand). VCF-style: chr5-1279370-T-C. GRCh37 (hg19) VCF-style: chr5-1279485-T-C.
Other names: c.2051A>G, p.Asp684Gly (NM_001193376.3); short protein forms D684G.
Identifiers: ClinVar variation 446372 (VCV000446372.14), dbSNP rs776981958, ClinGen allele CA3184681.